The following is an entry in ClinVar:

ClinVar aggregate classification (germline): Uncertain significance. Review status: criteria provided, multiple submitters, no conflicts (2 of 4 stars). 2 submissions from 2 submitters: Uncertain significance (2). Last evaluated 2025-10-02.

gnomAD v4.1: 3 of 1,611,800 alleles (0.00019%); highest among the groups gnomAD compares: South Asian, 0.0011%; no homozygotes.

Submissions (2):

Labcorp Genetics (formerly Invitae), Labcorp
Classification: Uncertain significance. Last evaluated: 2025-10-02. Review status: criteria provided, single submitter. Criteria: Invitae Variant Classification Sherloc (09022015). Collection method: clinical testing. Allele origin: germline.
Comment: This sequence change replaces arginine, which is basic and polar, with tryptophan, which is neutral and slightly polar, at codon 492 of the NEDD4L protein (p.Arg492Trp). This variant is not present in population databases (gnomAD no frequency). This variant has not been reported in the literature in individuals affected with NEDD4L-related conditions. ClinVar contains an entry for this variant (Variation ID: 1708340). Invitae Evidence Modeling of protein sequence and biophysical properties (such as structural, functional, and spatial information, amino acid conservation, physicochemical variation, residue mobility, and thermodynamic stability) indicates that this missense variant is expected to disrupt NEDD4L protein function with a positive predictive value of 80%. In summary, the available evidence is currently insufficient to determine the role of this variant in disease. Therefore, it has been classified as a Variant of Uncertain Significance.

Centre of Medical Genetics, University Hospital Muenster
Classification: Uncertain significance. Last evaluated: 2021-12-20. Review status: criteria provided, single submitter. Criteria: ACMG Guidelines, 2015. Collection method: clinical testing. Allele origin: unknown. Affected: yes. Observed: 1 variant allele, 1 heterozygote.
Comment: ACMG categories: PM2,PP3

NM_001144967.3(NEDD4L):c.1534C>T (p.Arg512Trp)

Gene: NEDD4L (NEDD4 like E3 ubiquitin protein ligase; plus strand). Cytogenetic location: 18q21.31.
Variant type: single nucleotide variant.
Coding change: c.1534C>T on transcript NM_001144967.3 (MANE Select); coding-DNA position 1534, C replaced by T.
Protein change: p.Arg512Trp; replaces arginine 512 with tryptophan.
Molecular consequence: missense variant.
Genome position (GRCh38, 1-based): chr18:58,343,062, C>T. VCF-style: chr18-58343062-C-T. GRCh37 (hg19) VCF-style: chr18-56010294-C-T.
Other names: c.1171C>T, p.Arg391Trp (NM_001144964.1, NM_001144965.2, NM_001144966.3); c.1510C>T, p.Arg504Trp (NM_001144968.2); c.1450C>T, p.Arg484Trp (NM_001144969.2); c.1111C>T, p.Arg371Trp (NM_001144970.3, NM_001144971.2); c.1342C>T, p.Arg448Trp (NM_001243960.2); c.1474C>T, p.Arg492Trp (NM_015277.6); short protein forms R371W, R391W, R448W, R484W, R492W, R504W, R512W.
Identifiers: ClinVar variation 1708340 (VCV001708340.3), dbSNP rs748435237, ClinGen allele CA402537520.